The following is an entry in ClinVar:

NM_001079855.2(GYG2):c.619G>A (p.Gly207Ser)

Gene: GYG2 (glycogenin 2; plus strand). Cytogenetic location: Xp22.33.
Variant type: single nucleotide variant.
Coding change: c.619G>A on transcript NM_001079855.2 (MANE Select); coding-DNA position 619, G replaced by A.
Protein change: p.Gly207Ser; replaces glycine 207 with serine.
Molecular consequence: missense variant.
Genome position (GRCh38, 1-based): chrX:2,859,847, G>A. VCF-style: chrX-2859847-G-A. GRCh37 (hg19) VCF-style: chrX-2777888-G-A.
Other names: c.619G>A, p.Gly207Ser (NM_001184702.2); c.712G>A, p.Gly238Ser (NM_001184703.2, NM_003918.3); c.154G>A, p.Gly52Ser (NM_001184704.2); short protein forms G238S, G52S, G207S.
Identifiers: ClinVar variation 3009063 (VCV003009063.3), dbSNP rs774001122, ClinGen allele CA10337140.

ClinVar aggregate classification (germline): Uncertain significance (1 of 4 stars; one submission).

Allele frequency attached by ClinVar (database versions not stated): gnomAD 0.00001; gnomAD exomes 0.00001; TOPMed 0.00001.
gnomAD v4.1: 10 of 1,168,965 alleles (0.00086%); highest among the groups gnomAD compares: Middle Eastern, 0.023%; no homozygotes.

Submission:

Labcorp Genetics (formerly Invitae), Labcorp
Classification: Uncertain significance. Last evaluated: 2023-11-15. Review status: criteria provided, single submitter. Criteria: Invitae Variant Classification Sherloc (09022015). Collection method: clinical testing. Allele origin: germline.
Comment: This sequence change replaces glycine, which is neutral and non-polar, with serine, which is neutral and polar, at codon 238 of the GYG2 protein (p.Gly238Ser). This variant is present in population databases (rs774001122, gnomAD 0.02%). This variant has not been reported in the literature in individuals affected with GYG2-related conditions. An algorithm developed to predict the effect of missense changes on protein structure and function (PolyPhen-2) suggests that this variant is likely to be disruptive. In summary, the available evidence is currently insufficient to determine the role of this variant in disease. Therefore, it has been classified as a Variant of Uncertain Significance.